The following is an entry in ClinVar:

ClinVar aggregate classification (germline): Conflicting classifications of pathogenicity. Review status: criteria provided, conflicting classifications (1 of 4 stars). 6 submissions from 6 submitters: Pathogenic (1); Likely pathogenic (1); Uncertain significance (3). 1 of the submissions does not count toward it. Last evaluated 2025-12-02.

Conditions:
Neurofibromatosis, type 1 (NF1). Also called: NEUROFIBROMATOSIS, TYPE I, SOMATIC; Peripheral type neurofibromatosis; Neurofibromatosis, type I; VON RECKLINGHAUSEN DISEASE. Identifiers: Orphanet 636, MedGen C0027831, MONDO:0018975, OMIM 162200. Disease mechanism: loss of function.
NF1-related disorder. Also called: NF1-related condition. Identifiers: MedGen CN379171.
Hereditary cancer-predisposing syndrome. Also called: Tumor predisposition; Hereditary Cancer Syndrome; Neoplastic Syndromes, Hereditary; Hereditary neoplastic syndrome. Identifiers: Orphanet 140162, MedGen C0027672, MeSH D009386, MONDO:0015356.
Cardiovascular phenotype. Identifiers: MedGen CN230736.

Allele frequency attached by ClinVar (database versions not stated): ESP Exome Variant Server 0.00008; ExAC 0.00001; gnomAD exomes 0.00001.
gnomAD v4.1: 12 of 1,612,182 alleles (0.00074%); highest among the groups gnomAD compares: East Asian, 0.0022%; no homozygotes.

Submissions (6):

Labcorp Genetics (formerly Invitae), Labcorp
Classification: Pathogenic for Neurofibromatosis, type 1. Last evaluated: 2025-12-02. Review status: criteria provided, single submitter. Criteria: Invitae Variant Classification Sherloc (09022015). Collection method: clinical testing. Allele origin: germline.
Comment: This sequence change replaces arginine, which is basic and polar, with cysteine, which is neutral and slightly polar, at codon 1000 of the NF1 protein (p.Arg1000Cys). This variant is present in population databases (rs367684252, gnomAD 0.006%). This missense change has been observed in individual(s) with neurofibromatosis type 1 (PMID: 25074460, 27838393, 34080803). ClinVar contains an entry for this variant (Variation ID: 457616). Invitae Evidence Modeling of protein sequence and biophysical properties (such as structural, functional, and spatial information, amino acid conservation, physicochemical variation, residue mobility, and thermodynamic stability) indicates that this missense variant is expected to disrupt NF1 protein function with a positive predictive value of 95%. This variant disrupts the p.Arg1000 amino acid residue in NF1. Other variant(s) that disrupt this residue have been determined to be pathogenic (internal data). This suggests that this residue is clinically significant, and that variants that disrupt this residue are likely to be disease-causing. For these reasons, this variant has been classified as Pathogenic.

Variantyx, Inc.
Classification: Likely pathogenic for Neurofibromatosis, type 1. Last evaluated: 2025-11-27. Review status: criteria provided, single submitter. Criteria: Variantyx Assertion Criteria 2022. Collection method: clinical testing. Allele origin: germline. Inheritance: Autosomal dominant inheritance. Affected: yes.
Comment: This is a nonsynonymous variant in the NF1 gene (OMIM: 613113). Pathogenic variants in this gene have been associated with autosomal dominant neurofibromatosis type 1. This variant has been reported in several unrelated affected individuals (PMID: 25074460, 34080803, 27838393) (PS4). AMultiple computational algorithms predict a deleterious effect for this variant (REVEL score: 0.761) (PP3), and an alternate amino acid change at this position (p.Arg1000Pro) has been previously reported in similarly affected individuals, which suggests that this residue is biologically important (PM5). This variant has a 0.0022% maximum allele frequency in non-founder control populations (PM2). Based on the current evidence, this variant is classified as likely pathogenic for autosomal dominant neurofibromatosis type 1.

Ambry Genetics
Classification: Uncertain significance for Cardiovascular phenotype; Hereditary cancer-predisposing syndrome. Last evaluated: 2025-07-08. Review status: criteria provided, single submitter. Criteria: Ambry Variant Classification Scheme 2023. Collection method: clinical testing. Allele origin: germline.
Comment: The p.R1000C variant (also known as c.2998C>T), located in coding exon 23 of the NF1 gene, results from a C to T substitution at nucleotide position 2998. The arginine at codon 1000 is replaced by cysteine, an amino acid with highly dissimilar properties. This alteration has been reported in several individuals with a clinical diagnosis or suspicion of neurofibromatosis type 1 (Pasmant E et al. Eur. J. Hum. Genet., 2015 May;23:596-601; Cal&igrave; F et al. Eur J Med Genet, 2017 Feb;60:93-99; N Abdel-Aziz N et al. Mol Genet Genomic Med, 2021 12;9(12):e1631), though has also been detected in multiple individuals with no reported features of neurofibromatosis type 1 (Ambry internal data). This amino acid position is highly conserved in available vertebrate species. In addition, the in silico prediction for this alteration is inconclusive. Based on the available evidence, the clinical significance of this variant remains unclear.

GeneDx
Classification: Uncertain significance. Last evaluated: 2025-04-14. Review status: criteria provided, single submitter. Criteria: GeneDx Variant Classification Process June 2021. Collection method: clinical testing. Allele origin: germline. Affected: yes.
Comment: Observed in individuals with neurofibromatosis type 1 and in healthy controls in published literature (PMID: 25074460, 27838393, 30476936, 34080803); In silico analysis supports that this missense variant has a deleterious effect on protein structure/function; This variant is associated with the following publications: (PMID: 21520333, 29636988, 29489754, 30476936, 31645765, 25074460, 27838393, 33563663, 36243179, 26076063, 30287823, 34080803, 39373898, 25486365, 2121369)

Genome-Nilou Lab
Classification: Uncertain significance for Neurofibromatosis, type 1. Last evaluated: 2022-03-15. Review status: criteria provided, single submitter. Criteria: ACMG Guidelines, 2015. Collection method: clinical testing. Allele origin: germline. Affected: no.

PreventionGenetics, part of Exact Sciences
Classification: Uncertain significance for NF1-related condition. Last evaluated: 2024-05-14. Review status: no assertion criteria provided. Collection method: clinical testing. Allele origin: germline. Not counted in ClinVar's aggregate classification.
Comment: The NF1 c.2998C>T variant is predicted to result in the amino acid substitution p.Arg1000Cys. This variant has been reported in two individuals with neurofibromatosis type 1 (Pasmant et al. 2015. PubMed ID: 25074460; Calì et al. 2016. PubMed ID: 27838393) and in an individual with Burkitt's lymphoma (Gröbner et al. 2018. PubMed ID: 29489754). This variant is reported in 0.0054% of alleles in individuals of East Asian descent in gnomAD. It has conflicting classifications in ClinVar ranging from uncertain to pathogenic. At this time, the clinical significance of this variant is uncertain due to the absence of conclusive functional and genetic evidence.

Literature cited by the submitters: PubMed 25074460 (cited by 3 submitters); PubMed 27838393 (cited by 3 submitters); PubMed 34080803 (cited by 3 submitters); PubMed 30287823 (cited by Ambry Genetics).

NM_001042492.3(NF1):c.2998C>T (p.Arg1000Cys)

Gene: NF1 (neurofibromin 1; plus strand). Cytogenetic location: 17q11.2.
Variant type: single nucleotide variant.
Coding change: c.2998C>T on transcript NM_001042492.3 (MANE Select); coding-DNA position 2998, C replaced by T.
Protein change: p.Arg1000Cys; replaces arginine 1000 with cysteine.
Molecular consequence: missense variant.
Genome position (GRCh38, 1-based): chr17:31,230,267, C>T. VCF-style: chr17-31230267-C-T. GRCh37 (hg19) VCF-style: chr17-29557285-C-T.
Other names: c.2998C>T, p.Arg1000Cys (NM_000267.4); short protein forms R1000C.
Identifiers: ClinVar variation 457616 (VCV000457616.22), dbSNP rs367684252, ClinGen allele CA8486073.